The following is an entry in ClinVar:

NM_000334.4(SCN4A):c.199A>G (p.Ile67Val)

Gene: SCN4A (sodium voltage-gated channel alpha subunit 4; minus strand). Cytogenetic location: 17q23.3.
Variant type: single nucleotide variant.
Coding change: c.199A>G on transcript NM_000334.4 (MANE Select); coding-DNA position 199, A replaced by G.
Protein change: p.Ile67Val; replaces isoleucine 67 with valine.
Molecular consequence: missense variant.
Genome position (GRCh38, 1-based): chr17:63,972,643, T>C on the plus strand (A>G on the coding strand, the complement: SCN4A is on the minus strand). VCF-style: chr17-63972643-T-C. GRCh37 (hg19) VCF-style: chr17-62050003-T-C.
Other names: short protein forms I67V.
Identifiers: ClinVar variation 451656 (VCV000451656.17), dbSNP rs200834218, ClinGen allele CA8710260.

ClinVar aggregate classification (germline): Uncertain significance. Review status: criteria provided, multiple submitters, no conflicts (2 of 4 stars). 4 submissions from 4 submitters: Uncertain significance (4). Last evaluated 2025-12-15.

Conditions:
Hyperkalemic periodic paralysis. Also called: Familial hyperkalemic periodic paralysis; Gamstorp disease. Identifiers: Orphanet 682, MedGen C0238357, MONDO:0008224, OMIM 170500, HP:0007215.
Hypokalemic periodic paralysis, type 2 (HOKPP2). Identifiers: Orphanet 681, MedGen C2750061, MONDO:0013234, OMIM 613345.
Potassium-aggravated myotonia. Also called: MYOTONIA CONGENITA, ACETAZOLAMIDE-RESPONSIVE; MYOTONIA CONGENITA, ATYPICAL; SODIUM CHANNEL MUSCLE DISEASE; Myotonia congenita, atypical, acetazolamide-responsive. Identifiers: Orphanet 612, Orphanet 99734, Orphanet 99735, Orphanet 99736, MedGen C2931826, MONDO:0018959, OMIM 608390.
Congenital myasthenic syndrome 16. Identifiers: Orphanet 590, MedGen C3280112, MONDO:0013620, OMIM 614198.
Paramyotonia congenita of Von Eulenburg. Also called: Paramyotonia Congenita; Eulenburg disease; Myotonia congenita intermittens; Von Eulenburg paramyotonia congenita; PARALYSIS PERIODICA PARAMYOTONICA. Identifiers: Orphanet 684, MedGen C0221055, MONDO:0008195, OMIM 168300. Disease mechanism: loss of function.
Congenital myopathy 22A, classic (CMYO22A). Identifiers: MedGen C5830453, MONDO:0957247, OMIM 620351.
Congenital myopathy 22B, severe fetal (CMYO22B). Identifiers: MedGen C5830501, MONDO:0957265, OMIM 620369.
Inborn genetic diseases. Identifiers: MedGen C0950123, MeSH D030342.

Allele frequency attached by ClinVar (database versions not stated): gnomAD exomes 0.00007 and 0.00003; ExAC 0.00011; 1000 Genomes Project 30x 0.00031; ESP Exome Variant Server 0.00032; gnomAD 0.00038 and 0.00041; TOPMed 0.00029; 1000 Genomes Project 0.00040.
gnomAD v4.1: 97 of 1,611,988 alleles (0.006%); highest among the groups gnomAD compares: African/African-American, 0.12%; no homozygotes.

Submissions (4):

Labcorp Genetics (formerly Invitae), Labcorp
Classification: Uncertain significance for Hyperkalemic periodic paralysis. Last evaluated: 2025-12-15. Review status: criteria provided, single submitter. Criteria: Invitae Variant Classification Sherloc (09022015). Collection method: clinical testing. Allele origin: germline.
Comment: This sequence change replaces isoleucine, which is neutral and non-polar, with valine, which is neutral and non-polar, at codon 67 of the SCN4A protein (p.Ile67Val). This variant is present in population databases (rs200834218, gnomAD 0.1%). This variant has not been reported in the literature in individuals affected with SCN4A-related conditions. ClinVar contains an entry for this variant (Variation ID: 451656). Invitae Evidence Modeling of protein sequence and biophysical properties (such as structural, functional, and spatial information, amino acid conservation, physicochemical variation, residue mobility, and thermodynamic stability) has been performed for this missense variant. However, the output from this modeling did not meet the statistical confidence thresholds required to predict the impact of this variant on SCN4A protein function. In summary, the available evidence is currently insufficient to determine the role of this variant in disease. Therefore, it has been classified as a Variant of Uncertain Significance.

GeneDx
Classification: Uncertain significance. Last evaluated: 2025-07-25. Review status: criteria provided, single submitter. Criteria: GeneDx Variant Classification Process June 2021. Collection method: clinical testing. Allele origin: germline. Affected: yes.
Comment: In silico analysis suggests that this missense variant does not alter protein structure/function; Has not been previously published as pathogenic or benign to our knowledge

Ambry Genetics
Classification: Uncertain significance for Inborn genetic diseases. Last evaluated: 2025-02-18. Review status: criteria provided, single submitter. Criteria: Ambry Variant Classification Scheme 2023. Collection method: clinical testing. Allele origin: germline.

Fulgent Genetics
Classification: Uncertain significance for Paramyotonia congenita of Von Eulenburg; Hyperkalemic periodic paralysis; Potassium-aggravated myotonia; Hypokalemic periodic paralysis, type 2; Congenital myasthenic syndrome 16; Congenital myopathy 22A, classic; Congenital myopathy 22B, severe fetal. Last evaluated: 2024-06-06. Review status: criteria provided, single submitter. Criteria: ACMG Guidelines, 2015. Collection method: clinical testing. Allele origin: germline.